The following is an entry in ClinVar:

NM_001122630.2(CDKN1C):c.263G>A (p.Arg88His)

Gene: CDKN1C (cyclin dependent kinase inhibitor 1C; minus strand). Cytogenetic location: 11p15.4.
Variant type: single nucleotide variant.
Coding change: c.263G>A on transcript NM_001122630.2 (MANE Select); coding-DNA position 263, G replaced by A.
Protein change: p.Arg88His; replaces arginine 88 with histidine.
Molecular consequence: missense variant. On other transcripts: intron variant (1).
Genome position (GRCh38, 1-based): chr11:2,885,194, C>T on the plus strand (G>A on the coding strand, the complement: CDKN1C is on the minus strand). VCF-style: chr11-2885194-C-T. GRCh37 (hg19) VCF-style: chr11-2906424-C-T.
Other names: c.296G>A, p.Arg99His (NM_000076.2, NM_001362474.2); c.263G>A, p.Arg88His (NM_001122631.2); c.255+8G>A (NM_001362475.2); short protein forms R99H, R88H.
Identifiers: ClinVar variation 3643795 (VCV003643795.2).
Genomic context (GRCh38, chr11:2,885,194, plus strand): 5'-AGGGGCGGGCTGACAGCCACCGCGACCGCGACGGGCCGCGGCGCCAGCAGCAGGCGGCAG[C>T]GCCCCACCTGCACCGTCTCGCGGTAGAACGCGGGCACCGAGTCGCTGTCCACTTCGGTCC-3'
Protein context (NP_001116102.1, residues 78-98): AFYRETVQVG[Arg88His]CRLLLAPRPV

ClinVar aggregate classification (germline): Uncertain significance (1 of 4 stars; one submission).

Conditions:
Beckwith-Wiedemann syndrome (BWS). Also called: EMG SYNDROME; Exomphalos macroglossia gigantism syndrome. Identifiers: Orphanet 116, MedGen C0004903, MONDO:0007534, OMIM 130650.

Submission:

Labcorp Genetics (formerly Invitae), Labcorp
Classification: Uncertain significance for Beckwith-Wiedemann syndrome. Last evaluated: 2024-03-01. Review status: criteria provided, single submitter. Criteria: Invitae Variant Classification Sherloc (09022015). Collection method: clinical testing. Allele origin: germline.
Comment: This sequence change replaces arginine, which is basic and polar, with histidine, which is basic and polar, at codon 99 of the CDKN1C protein (p.Arg99His). This variant is not present in population databases (gnomAD no frequency). This variant has not been reported in the literature in individuals affected with CDKN1C-related conditions. Advanced modeling of protein sequence and biophysical properties (such as structural, functional, and spatial information, amino acid conservation, physicochemical variation, residue mobility, and thermodynamic stability) performed at Invitae indicates that this missense variant is not expected to disrupt CDKN1C protein function with a negative predictive value of 80%. In summary, the available evidence is currently insufficient to determine the role of this variant in disease. Therefore, it has been classified as a Variant of Uncertain Significance.